The following is an entry in ClinVar:

ClinVar aggregate classification (germline): Likely benign (1 of 4 stars; one submission).

gnomAD v4.1: 1 of 1,614,158 alleles (0.000062%); highest among the groups gnomAD compares: Admixed American, 0.0017%; no homozygotes.

Submission:

Mayo Clinic Laboratories, Mayo Clinic
Classification: Likely benign. Last evaluated: 2025-04-15. Review status: criteria provided, single submitter. Criteria: ACMG Guidelines, 2015. Collection method: clinical testing. Allele origin: germline. Observed: 1 variant allele.
Comment: BP4, BP7, PM2_supporting

NM_000089.4(COL1A2):c.3408T>C (p.Asp1136=)

Gene: COL1A2 (collagen type I alpha 2 chain; plus strand). Cytogenetic location: 7q21.3.
Variant type: single nucleotide variant.
Coding change: c.3408T>C on transcript NM_000089.4 (MANE Select); coding-DNA position 3408, T replaced by C.
Protein change: p.Asp1136=; no amino-acid change (aspartic acid 1136 retained).
Molecular consequence: synonymous variant.
Genome position (GRCh38, 1-based): chr7:94,427,767, T>C. VCF-style: chr7-94427767-T-C. GRCh37 (hg19) VCF-style: chr7-94057079-T-C.
Other names: p.Asp1136=.
Identifiers: ClinVar variation 4683294 (VCV004683294.1).